The following is an entry in ClinVar:

ClinVar aggregate classification (germline): Uncertain significance (1 of 4 stars; one submission).

Conditions:
Developmental and epileptic encephalopathy 94 (DEE94). Also called: CHD2-Related Neurodevelopmental Disorders; Epileptic encephalopathy, childhood-onset. Identifiers: Orphanet 1942, Orphanet 2382, MedGen C3809278, MONDO:0014150, OMIM 615369.

Allele frequency attached by ClinVar (database versions not stated): gnomAD exomes below 0.00001.
gnomAD v4.1: 1 of 1,614,212 alleles (0.000062%); highest among the groups gnomAD compares: Admixed American, 0.0017%; no homozygotes.

Submission:

Labcorp Genetics (formerly Invitae), Labcorp
Classification: Uncertain significance for Developmental and epileptic encephalopathy 94. Last evaluated: 2022-10-17. Review status: criteria provided, single submitter. Criteria: Invitae Variant Classification Sherloc (09022015). Collection method: clinical testing. Allele origin: germline.
Comment: This variant is not present in population databases (gnomAD no frequency). In summary, the available evidence is currently insufficient to determine the role of this variant in disease. Therefore, it has been classified as a Variant of Uncertain Significance. Advanced modeling of protein sequence and biophysical properties (such as structural, functional, and spatial information, amino acid conservation, physicochemical variation, residue mobility, and thermodynamic stability) has been performed at Invitae for this missense variant, however the output from this modeling did not meet the statistical confidence thresholds required to predict the impact of this variant on CHD2 protein function. This variant has not been reported in the literature in individuals affected with CHD2-related conditions. This sequence change replaces cysteine, which is neutral and slightly polar, with arginine, which is basic and polar, at codon 1505 of the CHD2 protein (p.Cys1505Arg).

NM_001271.4(CHD2):c.4513T>C (p.Cys1505Arg)

Gene: CHD2 (chromodomain helicase DNA binding protein 2; plus strand). Cytogenetic location: 15q26.1.
Variant type: single nucleotide variant.
Coding change: c.4513T>C on transcript NM_001271.4 (MANE Select); coding-DNA position 4513, T replaced by C.
Protein change: p.Cys1505Arg; replaces cysteine 1505 with arginine.
Molecular consequence: missense variant.
Genome position (GRCh38, 1-based): chr15:93,009,244, T>C. VCF-style: chr15-93009244-T-C. GRCh37 (hg19) VCF-style: chr15-93552474-T-C.
Other names: short protein forms C1505R.
Identifiers: ClinVar variation 2126280 (VCV002126280.4), dbSNP rs2505617528, ClinGen allele CA393904552.